The following is an entry in ClinVar:

NM_002025.4(AFF2):c.736G>A (p.Val246Met)

Gene: AFF2 (ALF transcription elongation factor 2; plus strand). Cytogenetic location: Xq28.
Variant type: single nucleotide variant.
Coding change: c.736G>A on transcript NM_002025.4 (MANE Select); coding-DNA position 736, G replaced by A.
Protein change: p.Val246Met; replaces valine 246 with methionine.
Molecular consequence: missense variant.
Genome position (GRCh38, 1-based): chrX:148,662,463, G>A. VCF-style: chrX-148662463-G-A. GRCh37 (hg19) VCF-style: chrX-147743984-G-A.
Other names: c.724G>A, p.Val242Met (NM_001169122.2, NM_001169123.2, NM_001169125.2); c.736G>A, p.Val246Met (NM_001169124.2); short protein forms V242M, V246M.
Identifiers: ClinVar variation 4821403 (VCV004821403.4).

ClinVar aggregate classification (germline): Likely benign (1 of 4 stars; one submission).

gnomAD v4.1: 111 of 1,210,291 alleles (0.0092%); highest among the groups gnomAD compares: African/African-American, 0.08%; no homozygotes.

Submission:

CeGaT Center for Human Genetics Tuebingen
Classification: Likely benign. Last evaluated: 2026-03-01. Review status: criteria provided, single submitter. Criteria: CeGaT Center For Human Genetics Tuebingen Variant Classification Criteria Version 2. Collection method: clinical testing. Allele origin: germline. Affected: yes. Observed: 1 variant allele.
Comment: AFF2: BP4, BS2